The following is an entry in ClinVar:

ClinVar aggregate classification (germline): Uncertain significance (1 of 4 stars; one submission).

Allele frequency attached by ClinVar (database versions not stated): gnomAD exomes below 0.00001; TOPMed 0.00002.

Submission:

Labcorp Genetics (formerly Invitae), Labcorp
Classification: Uncertain significance. Last evaluated: 2023-12-18. Review status: criteria provided, single submitter. Criteria: Invitae Variant Classification Sherloc (09022015). Collection method: clinical testing. Allele origin: germline.
Comment: This sequence change replaces alanine, which is neutral and non-polar, with valine, which is neutral and non-polar, at codon 1177 of the LAMC3 protein (p.Ala1177Val). This variant is not present in population databases (gnomAD no frequency). This variant has not been reported in the literature in individuals affected with LAMC3-related conditions. ClinVar contains an entry for this variant (Variation ID: 1982189). Algorithms developed to predict the effect of missense changes on protein structure and function output the following: SIFT: "Not Available"; PolyPhen-2: "Benign"; Align-GVGD: "Not Available". The valine amino acid residue is found in multiple mammalian species, which suggests that this missense change does not adversely affect protein function. In summary, the available evidence is currently insufficient to determine the role of this variant in disease. Therefore, it has been classified as a Variant of Uncertain Significance.

NM_006059.4(LAMC3):c.3530C>T (p.Ala1177Val)

Gene: LAMC3 (laminin subunit gamma 3; plus strand). Cytogenetic location: 9q34.12.
Variant type: single nucleotide variant.
Coding change: c.3530C>T on transcript NM_006059.4 (MANE Select); coding-DNA position 3530, C replaced by T.
Protein change: p.Ala1177Val; replaces alanine 1177 with valine.
Molecular consequence: missense variant.
Genome position (GRCh38, 1-based): chr9:131,075,866, C>T. VCF-style: chr9-131075866-C-T. GRCh37 (hg19) VCF-style: chr9-133951253-C-T.
Other names: short protein forms A1177V.
Identifiers: ClinVar variation 1982189 (VCV001982189.2), dbSNP rs980806659, ClinGen allele CA200672162.